The following is an entry in ClinVar:

NM_000135.4(FANCA):c.2509T>G (p.Cys837Gly)

Gene: FANCA (FA complementation group A; minus strand). Cytogenetic location: 16q24.3.
Variant type: single nucleotide variant.
Coding change: c.2509T>G on transcript NM_000135.4 (MANE Select); coding-DNA position 2509, T replaced by G.
Protein change: p.Cys837Gly; replaces cysteine 837 with glycine.
Molecular consequence: missense variant.
Genome position (GRCh38, 1-based): chr16:89,767,233, A>C on the plus strand (T>G on the coding strand, the complement: FANCA is on the minus strand). VCF-style: chr16-89767233-A-C. GRCh37 (hg19) VCF-style: chr16-89833641-A-C.
Other names: c.2509T>G, p.Cys837Gly (NM_001286167.3); short protein forms C837G.
Identifiers: ClinVar variation 5036418 (VCV005036418.1).

ClinVar aggregate classification (germline): Uncertain significance (1 of 4 stars; one submission).

Conditions:
Inborn genetic diseases. Identifiers: MedGen C0950123, MeSH D030342.

Submission:

Ambry Genetics
Classification: Uncertain significance for Inborn genetic diseases. Last evaluated: 2026-08-16. Review status: criteria provided, single submitter. Criteria: Ambry Variant Classification Scheme 2023. Collection method: clinical testing. Allele origin: germline.
Comment: The p.C837G variant (also known as c.2509T>G), located in coding exon 27 of the FANCA gene, results from a T to G substitution at nucleotide position 2509. The cysteine at codon 837 is replaced by glycine, an amino acid with highly dissimilar properties. This amino acid position is conserved. In addition, this alteration is predicted to be deleterious by in silico analysis. Based on the available evidence, the clinical significance of this variant remains unclear.